The following is an entry in ClinVar:

ClinVar aggregate classification (germline): Uncertain significance (1 of 4 stars; one submission).

gnomAD v4.1: 36 of 1,595,404 alleles (0.0023%); highest among the groups gnomAD compares: South Asian, 0.0066%; no homozygotes.

Submission:

Labcorp Genetics (formerly Invitae), Labcorp
Classification: Uncertain significance. Last evaluated: 2026-01-28. Review status: criteria provided, single submitter. Criteria: Invitae Variant Classification Sherloc (09022015). Collection method: clinical testing. Allele origin: germline.
Comment: This sequence change replaces serine, which is neutral and polar, with leucine, which is neutral and non-polar, at codon 500 of the REPS1 protein (p.Ser500Leu). This variant is present in population databases (rs201518102, gnomAD 0.007%). This variant has not been reported in the literature in individuals affected with REPS1-related conditions. Invitae Evidence Modeling of protein sequence and biophysical properties (such as structural, functional, and spatial information, amino acid conservation, physicochemical variation, residue mobility, and thermodynamic stability) indicates that this missense variant is not expected to disrupt REPS1 protein function with a negative predictive value of 80%. Algorithms developed to predict the effect of sequence changes on RNA splicing suggest that this variant may disrupt the consensus splice site. In summary, the available evidence is currently insufficient to determine the role of this variant in disease. Therefore, it has been classified as a Variant of Uncertain Significance.

NM_001286611.2(REPS1):c.1499C>T (p.Ser500Leu)

Gene: REPS1 (RALBP1 associated Eps domain containing 1; minus strand). Cytogenetic location: 6q24.1.
Variant type: single nucleotide variant.
Coding change: c.1499C>T on transcript NM_001286611.2 (MANE Select); coding-DNA position 1499, C replaced by T.
Protein change: p.Ser500Leu; replaces serine 500 with leucine.
Molecular consequence: missense variant.
Genome position (GRCh38, 1-based): chr6:138,920,244, G>A on the plus strand (C>T on the coding strand, the complement: REPS1 is on the minus strand). VCF-style: chr6-138920244-G-A. GRCh37 (hg19) VCF-style: chr6-139241381-G-A.
Other names: c.1418C>T, p.Ser473Leu (NM_001128617.3, NM_001286612.2); c.1499C>T, p.Ser500Leu (NM_031922.5); short protein forms S473L, S500L.
Identifiers: ClinVar variation 4691131 (VCV004691131.1).